The following is an entry in ClinVar:

ClinVar aggregate classification (germline): Likely pathogenic (1 of 4 stars; one submission).

Conditions:
Cerebral creatine deficiency syndrome. Also called: Creatine deficiency syndromes. Identifiers: Orphanet 79172, MedGen C5244016, MONDO:0000456.

Submission:

Labcorp Genetics (formerly Invitae), Labcorp
Classification: Likely pathogenic for Cerebral creatine deficiency syndrome. Last evaluated: 2022-09-07. Review status: criteria provided, single submitter. Criteria: Invitae Variant Classification Sherloc (09022015). Collection method: clinical testing. Allele origin: germline.
Comment: This variant has not been reported in the literature in individuals affected with GAMT-related conditions. This sequence change affects a donor splice site in intron 1 of the GAMT gene. It is expected to disrupt RNA splicing. Variants that disrupt the donor or acceptor splice site typically lead to a loss of protein function (PMID: 16199547), and loss-of-function variants in GAMT are known to be pathogenic (PMID: 15108290). This variant is not present in population databases (gnomAD no frequency). ClinVar contains an entry for this variant (Variation ID: 1508606). Algorithms developed to predict the effect of sequence changes on RNA splicing suggest that this variant may disrupt the consensus splice site. In summary, the currently available evidence indicates that the variant is pathogenic, but additional data are needed to prove that conclusively. Therefore, this variant has been classified as Likely Pathogenic.

Literature cited by the submitters: PubMed 16199547; PubMed 15108290.

NM_000156.6(GAMT):c.181+2T>C

Genes: GAMT (guanidinoacetate N-methyltransferase; minus strand), LOC130062945 (ATAC-STARR-seq lymphoblastoid silent region 9707; plus strand). Cytogenetic location: 19p13.3.
Variant type: single nucleotide variant.
Coding change: c.181+2T>C on transcript NM_000156.6 (MANE Select); the canonical splice donor site of the intron after coding-DNA position 181, T replaced by C.
Molecular consequence: splice donor variant.
Genome position (GRCh38, 1-based): chr19:1,401,294, A>G on the plus strand (T>C on the coding strand, the complement: GAMT is on the minus strand). VCF-style: chr19-1401294-A-G. GRCh37 (hg19) VCF-style: chr19-1401293-A-G.
Other names: c.181+2T>C (NM_138924.3).
Identifiers: ClinVar variation 1508606 (VCV001508606.6), dbSNP rs2144640859, ClinGen allele CA402997960.